The following is an entry in ClinVar:

ClinVar aggregate classification (germline): Uncertain significance (1 of 4 stars; one submission).

Submission:

Labcorp Genetics (formerly Invitae), Labcorp
Classification: Uncertain significance. Last evaluated: 2021-11-28. Review status: criteria provided, single submitter. Criteria: Invitae Variant Classification Sherloc (09022015). Collection method: clinical testing. Allele origin: germline.
Comment: This sequence change affects a splice site in intron 3 of the VPS33A gene. It is expected to disrupt RNA splicing. Variants that disrupt the donor or acceptor splice site typically lead to a loss of protein function (PMID: 16199547), however the current clinical and genetic evidence is not sufficient to establish whether loss-of-function variants in VPS33A cause disease. This variant is not present in population databases (gnomAD no frequency). This variant has not been reported in the literature in individuals affected with VPS33A-related conditions. Algorithms developed to predict the effect of sequence changes on RNA splicing suggest that this variant may disrupt the consensus splice site. In summary, the available evidence is currently insufficient to determine the role of this variant in disease. Therefore, it has been classified as a Variant of Uncertain Significance.

Literature cited by the submitters: PubMed 16199547.

NM_022916.6(VPS33A):c.297-2del

Gene: VPS33A (VPS33A core subunit of CORVET and HOPS complexes; minus strand). Cytogenetic location: 12q24.31.
Variant type: Deletion.
Coding change: c.297-2del on transcript NM_022916.6 (MANE Select); the canonical splice acceptor site of the intron before coding-DNA position 297, one base deleted (A; older notation c.297-2delA).
Molecular consequence: splice acceptor variant.
Genome position (GRCh38, 1-based): chr12:122,261,449, T deleted on the plus strand (A on the coding strand, the reverse complement: VPS33A is on the minus strand). VCF-style (leftmost placement, unchanged base first): chr12-122261448-CT-C. GRCh37 (hg19) VCF-style: chr12-122745995-CT-C.
Other names: c.297-2del (NM_001351020.2, NM_001351021.2); c.264-2del (NM_001351018.2); c.249-2del (NM_001351019.2).
Identifiers: ClinVar variation 1352182 (VCV001352182.6), dbSNP rs2136151428, ClinGen allele CA2573148358.